The following is an entry in ClinVar:

ClinVar aggregate classification (germline): Likely benign. Review status: criteria provided, single submitter (1 of 4 stars). 2 submissions from 2 submitters: Likely benign (1). 1 of the submissions does not count toward it. Last evaluated 2025-11-25.

Conditions:
EFTUD2-related disorder. Also called: EFTUD2-related condition.

Allele frequency attached by ClinVar (database versions not stated): ExAC 0.00008; gnomAD 0.00008; TOPMed 0.00010; ESP Exome Variant Server 0.00031.
gnomAD v4.1: 52 of 1,613,660 alleles (0.0032%); highest among the groups gnomAD compares: African/African-American, 0.017%; no homozygotes.

Submissions (2):

Labcorp Genetics (formerly Invitae), Labcorp
Classification: Likely benign. Last evaluated: 2025-11-25. Review status: criteria provided, single submitter. Criteria: Invitae Variant Classification Sherloc (09022015). Collection method: clinical testing. Allele origin: germline.

PreventionGenetics, part of Exact Sciences
Classification: Likely benign for EFTUD2-related condition. Last evaluated: 2019-10-25. Review status: no assertion criteria provided. Collection method: clinical testing. Allele origin: germline. Not counted in ClinVar's aggregate classification.
Comment: This variant is classified as likely benign based on ACMG/AMP sequence variant interpretation guidelines (Richards et al. 2015 PMID: 25741868, with internal and published modifications).

NM_004247.4(EFTUD2):c.2034G>A (p.Thr678=)

Gene: EFTUD2 (elongation factor Tu GTP binding domain containing 2; minus strand). Cytogenetic location: 17q21.31.
Variant type: single nucleotide variant.
Coding change: c.2034G>A on transcript NM_004247.4 (MANE Select); coding-DNA position 2034, G replaced by A.
Protein change: p.Thr678=; no amino-acid change (threonine 678 retained).
Molecular consequence: synonymous variant.
Genome position (GRCh38, 1-based): chr17:44,857,086, C>T on the plus strand (G>A on the coding strand, the complement: EFTUD2 is on the minus strand). VCF-style: chr17-44857086-C-T. GRCh37 (hg19) VCF-style: chr17-42934454-C-T.
Other names: c.2034G>A (NM_004247.3); c.1929G>A, p.Thr643= (NM_001142605.2); c.2034G>A, p.Thr678= (NM_001258353.2); c.2004G>A, p.Thr668= (NM_001258354.2).
Identifiers: ClinVar variation 1901125 (VCV001901125.7), dbSNP rs141842808, ClinGen allele CA8607617.